The following is an entry in ClinVar:

NM_001621.5(AHR):c.258A>G (p.Ala86=)

Gene: AHR (aryl hydrocarbon receptor; plus strand). Cytogenetic location: 7p21.1.
Variant type: single nucleotide variant.
Coding change: c.258A>G on transcript NM_001621.5 (MANE Select); coding-DNA position 258, A replaced by G.
Protein change: p.Ala86=; no amino-acid change (alanine 86 retained).
Molecular consequence: synonymous variant.
Genome position (GRCh38, 1-based): chr7:17,322,505, A>G. VCF-style: chr7-17322505-A-G. GRCh37 (hg19) VCF-style: chr7-17362129-A-G.
Other names: c.258A>G (NM_001621.4).
Identifiers: ClinVar variation 2168505 (VCV002168505.6), dbSNP rs141518984, ClinGen allele CA4171772.

ClinVar aggregate classification (germline): Likely benign. Review status: criteria provided, single submitter (1 of 4 stars). 2 submissions from 2 submitters: Likely benign (1). 1 of the submissions does not count toward it. Last evaluated 2025-09-10.

Conditions:
AHR-related disorder. Also called: AHR-related condition.

Allele frequency attached by ClinVar (database versions not stated): ESP Exome Variant Server 0.00046; TOPMed 0.00049; 1000 Genomes Project 30x 0.00094; 1000 Genomes Project 0.00100.
gnomAD v4.1: 117 of 1,605,568 alleles (0.0073%); highest among the groups gnomAD compares: African/African-American, 0.13%; no homozygotes.

Submissions (2):

Labcorp Genetics (formerly Invitae), Labcorp
Classification: Likely benign. Last evaluated: 2025-09-10. Review status: criteria provided, single submitter. Criteria: Invitae Variant Classification Sherloc (09022015). Collection method: clinical testing. Allele origin: germline.

PreventionGenetics, part of Exact Sciences
Classification: Likely benign for AHR-related condition. Last evaluated: 2019-12-06. Review status: no assertion criteria provided. Collection method: clinical testing. Allele origin: germline. Not counted in ClinVar's aggregate classification.
Comment: This variant is classified as likely benign based on ACMG/AMP sequence variant interpretation guidelines (Richards et al. 2015 PMID: 25741868, with internal and published modifications).